The following is an entry in ClinVar:

NM_001005498.4(RHBDF2):c.1115+10C>G

Gene: RHBDF2 (rhomboid 5 homolog 2; minus strand). Cytogenetic location: 17q25.1.
Variant type: single nucleotide variant.
Coding change: c.1115+10C>G on transcript NM_001005498.4 (MANE Select); 10 bases into the intron after coding-DNA position 1115, C replaced by G.
Molecular consequence: intron variant.
Genome position (GRCh38, 1-based): chr17:76,476,820, G>C on the plus strand (C>G on the coding strand, the complement: RHBDF2 is on the minus strand). VCF-style: chr17-76476820-G-C. GRCh37 (hg19) VCF-style: chr17-74472902-G-C.
Other names: c.1202+10C>G (NM_024599.5); c.1115+10C>G (NM_001376230.1, NM_001376228.1, NM_001376229.1).
Identifiers: ClinVar variation 3618406 (VCV003618406.3).
Genomic context (GRCh38, chr17:76,476,820, plus strand): 5'-CGCTTCAGGAGGGCCCAGAGGAATTTGGAACCTTCCAGGCTCTCCTGGGGGCTCCAGGGC[G>C]ACACCTCACCGGTGGCTGTCGAAGCTCTCCAGCTGCCGCTGCACAGTGCTGCTGATGCTG-3'

ClinVar aggregate classification (germline): Uncertain significance (1 of 4 stars; one submission).

gnomAD v4.1: 8 of 1,588,030 alleles (0.0005%); highest among the groups gnomAD compares: African/African-American, 0.0094%; no homozygotes.

Submissions (2):

Labcorp Genetics (formerly Invitae), Labcorp
Classification: Uncertain significance. Last evaluated: 2024-04-29. Review status: criteria provided, single submitter. Criteria: Invitae Variant Classification Sherloc (09022015). Collection method: clinical testing. Allele origin: germline.
Comment: This sequence change falls in intron 9 of the RHBDF2 gene. It does not directly change the encoded amino acid sequence of the RHBDF2 protein. This variant is present in population databases (no rsID available, gnomAD 0.01%). This variant has not been reported in the literature in individuals affected with RHBDF2-related conditions. Algorithms developed to predict the effect of sequence changes on RNA splicing suggest that this variant may create or strengthen a splice site. In summary, the available evidence is currently insufficient to determine the role of this variant in disease. Therefore, it has been classified as a Variant of Uncertain Significance.

Dr. Peter K. Rogan Lab, Western University
No classification provided (evidence only). Condition: Ovarian serous cystadenocarcinoma. Review status: no classification provided. Collection method: in vitro. Allele origin: not applicable. Functional consequence: retained intron. Not counted in ClinVar's aggregate classification.